The following is an entry in ClinVar:

ClinVar aggregate classification (germline): Pathogenic (1 of 4 stars; one submission).

Conditions:
COL1A2-related disorder. Also called: COL1A2-related condition; COL1A2-Related Disorders.

Submission:

PreventionGenetics, part of Exact Sciences
Classification: Pathogenic for COL1A2-related condition. Last evaluated: 2026-01-16. Review status: criteria provided, single submitter. Criteria: ACMG Guidelines, 2015. Collection method: clinical testing. Allele origin: germline.
Comment: The COL1A2 c.1586G>T variant is predicted to result in the amino acid substitution p.Gly529Val. To our knowledge, this variant has not been reported in the literature or in a large population database, indicating this variant is rare. Alternate nucleotide changes affecting the same amino acid (p.Gly529Cys, p.Gly529Asp) have been reported in individuals affected with osteogenesis imperfecta (Leiden Open Variation Database; Higuchi et al. 2021. PubMed ID: 33939306). The p.Gly529 amino acid is located in the conserved Gly-Xaa-Yaa triple helical domain where substitutions of a glycine are usually pathogenic (Marini et al. 2007. PubMed ID: 17078022). This variant is interpreted as pathogenic.

NM_000089.4(COL1A2):c.1586G>T (p.Gly529Val)

Gene: COL1A2 (collagen type I alpha 2 chain; plus strand). Cytogenetic location: 7q21.3.
Variant type: single nucleotide variant.
Coding change: c.1586G>T on transcript NM_000089.4 (MANE Select); coding-DNA position 1586, G replaced by T.
Protein change: p.Gly529Val; replaces glycine 529 with valine.
Molecular consequence: missense variant.
Genome position (GRCh38, 1-based): chr7:94,413,718, G>T. VCF-style: chr7-94413718-G-T. GRCh37 (hg19) VCF-style: chr7-94043030-G-T.
Other names: short protein forms G529V.
Identifiers: ClinVar variation 5001309 (VCV005001309.1).